The following is an entry in ClinVar:

ClinVar aggregate classification (germline): Benign (1 of 4 stars; one submission).

Allele frequency attached by ClinVar (database versions not stated): gnomAD exomes 0.00031; ExAC 0.00041; 1000 Genomes Project 0.00060; 1000 Genomes Project 30x 0.00078; gnomAD 0.00114 and 0.00125; TOPMed 0.00125; ESP Exome Variant Server 0.00177.
gnomAD v4.1: 343 of 1,614,170 alleles (0.021%); highest among the groups gnomAD compares: African/African-American, 0.41%; no homozygotes.

Submission:

Laboratory for Molecular Medicine, Mass General Brigham Personalized Medicine
Classification: Benign. Last evaluated: 2015-02-18. Review status: criteria provided, single submitter. Criteria: LMM Criteria. Collection method: clinical testing. Allele origin: germline. Observed: 1 variant allele.
Comment: p.Leu228Val in exon 9 of MYO1A: This variant is not expected to have clinical si gnificance because it has been identified in 0.4% (46/10402) of African chromoso mes by the Exome Aggregation Consortium (ExAC; d bSNP rs137975387).

NM_005379.4(MYO1A):c.682C>G (p.Leu228Val)

Gene: MYO1A (myosin IA; minus strand). Cytogenetic location: 12q13.3.
Variant type: single nucleotide variant.
Coding change: c.682C>G on transcript NM_005379.4 (MANE Select); coding-DNA position 682, C replaced by G.
Protein change: p.Leu228Val; replaces leucine 228 with valine.
Molecular consequence: missense variant.
Genome position (GRCh38, 1-based): chr12:57,044,168, G>C on the plus strand (C>G on the coding strand, the complement: MYO1A is on the minus strand). VCF-style: chr12-57044168-G-C. GRCh37 (hg19) VCF-style: chr12-57437952-G-C.
Other names: c.682C>G, p.Leu228Val (NM_001256041.2); short protein forms L228V.
Identifiers: ClinVar variation 226794 (VCV000226794.4), dbSNP rs137975387, ClinGen allele CA6640351.